The following is an entry in ClinVar:

NM_002691.4(POLD1):c.2786C>A (p.Ala929Asp)

Gene: POLD1 (DNA polymerase delta 1, catalytic subunit; plus strand). Cytogenetic location: 19q13.33.
Variant type: single nucleotide variant.
Coding change: c.2786C>A on transcript NM_002691.4 (MANE Select); coding-DNA position 2786, C replaced by A.
Protein change: p.Ala929Asp; replaces alanine 929 with aspartic acid.
Molecular consequence: missense variant.
Genome position (GRCh38, 1-based): chr19:50,415,792, C>A. VCF-style: chr19-50415792-C-A. GRCh37 (hg19) VCF-style: chr19-50919049-C-A.
Other names: c.2786C>A, p.Ala929Asp (NM_001256849.1, NM_001438212.1, NM_001438213.1); c.2864C>A, p.Ala955Asp (NM_001308632.1); c.2714C>A, p.Ala905Asp (NM_001438210.1, NM_001438211.1); short protein forms A929D, A905D, A955D.
Identifiers: ClinVar variation 5026995 (VCV005026995.1).
Genomic context (GRCh38, chr19:50,415,792, plus strand): 5'-AGCGGGACCCCGGGAGTGCGCCCAGCCTGGGCGACCGCGTCCCCTACGTGATCATCAGTG[C>A]CGCCAAGGGTGTGGCCGCCTACATGAAGTCGGAGGTCAGGCCCACCTGGCTGCCTGCTCC-3'
Protein context (NP_002682.2, residues 919-939): GDRVPYVIIS[Ala929Asp]AKGVAAYMKS

ClinVar aggregate classification (germline): Uncertain significance (1 of 4 stars; one submission).

Conditions:
Hereditary cancer-predisposing syndrome. Also called: Neoplastic Syndromes, Hereditary; Tumor predisposition; Hereditary neoplastic syndrome; Hereditary Cancer Syndrome. Identifiers: Orphanet 140162, MedGen C0027672, MeSH D009386, MONDO:0015356.

Submission:

Ambry Genetics
Classification: Uncertain significance for Hereditary cancer-predisposing syndrome. Last evaluated: 2026-08-01. Review status: criteria provided, single submitter. Criteria: Ambry Variant Classification Scheme 2023. Collection method: clinical testing. Allele origin: germline.
Comment: The p.A929D variant (also known as c.2786C>A), located in coding exon 21 of the POLD1 gene, results from a C to A substitution at nucleotide position 2786. The alanine at codon 929 is replaced by aspartic acid, an amino acid with dissimilar properties. This amino acid position is conserved. In addition, this alteration is predicted to be tolerated by in silico analysis. Based on the available evidence, the clinical significance of this variant remains unclear.